The following is an entry in ClinVar:

NM_000093.5(COL5A1):c.3745-18G>A

Gene: COL5A1 (collagen type V alpha 1 chain; plus strand). Cytogenetic location: 9q34.3.
Variant type: single nucleotide variant.
Coding change: c.3745-18G>A on transcript NM_000093.5 (MANE Select); 18 bases into the intron before coding-DNA position 3745, G replaced by A.
Molecular consequence: intron variant.
Genome position (GRCh38, 1-based): chr9:134,812,587, G>A. VCF-style: chr9-134812587-G-A. GRCh37 (hg19) VCF-style: chr9-137704433-G-A.
Other names: c.3745-18G>A (NM_001278074.1).
Identifiers: ClinVar variation 136881 (VCV000136881.13), dbSNP rs45556931, ClinGen allele CA290259.

ClinVar aggregate classification (germline): Benign. Review status: criteria provided, multiple submitters, no conflicts (2 of 4 stars). 8 submissions from 7 submitters: Benign (8). Last evaluated 2026-02-04.

Conditions:
Fibromuscular dysplasia, multifocal. Identifiers: MedGen C5543412, MONDO:0859151, OMIM 619329.
Ehlers-Danlos syndrome, classic type, 1 (EDSCL1). Also called: Ehlers-Danlos syndrome, type 1; EHLERS-DANLOS SYNDROME, GRAVIS TYPE; EHLERS-DANLOS SYNDROME, SEVERE CLASSIC TYPE; Ehlers-Danlos Syndrome, Classic Type, COL5A1-Related; EDS I. Identifiers: MedGen C0268335, MONDO:0019567, OMIM 130000.

Allele frequency attached by ClinVar (database versions not stated): gnomAD exomes 0.08960; TOPMed 0.10429; 1000 Genomes Project 0.10523; gnomAD 0.10575 and 0.10766; 1000 Genomes Project 30x 0.10790; ExAC 0.10820; ESP Exome Variant Server 0.11387.
gnomAD v4.1: 146,807 of 1,609,704 alleles (9.1%); highest among the groups gnomAD compares: African/African-American, 17%; 7,207 homozygotes.

Submissions (8):

Labcorp Genetics (formerly Invitae), Labcorp
Classification: Benign for Ehlers-Danlos syndrome, classic type, 1. Last evaluated: 2026-02-04. Review status: criteria provided, single submitter. Criteria: Invitae Variant Classification Sherloc (09022015). Collection method: clinical testing. Allele origin: germline.

Blueprint Genetics
Classification: Benign. Last evaluated: 2024-11-27. Review status: criteria provided, single submitter. Criteria: ACMG Guidelines, 2015. Collection method: clinical testing. Allele origin: germline.

Genome-Nilou Lab
Classification: Benign for Ehlers-Danlos syndrome, classic type, 1. Last evaluated: 2022-03-15. Review status: criteria provided, single submitter. Criteria: ACMG Guidelines, 2015. Collection method: clinical testing. Allele origin: germline. Affected: no.

Genome-Nilou Lab
Classification: Benign for Fibromuscular dysplasia, multifocal. Last evaluated: 2022-03-15. Review status: criteria provided, single submitter. Criteria: ACMG Guidelines, 2015. Collection method: clinical testing. Allele origin: germline. Affected: no.

Women's Health and Genetics/Laboratory Corporation of America, LabCorp
Classification: Benign. Last evaluated: 2017-03-10. Review status: criteria provided, single submitter. Criteria: LabCorp Variant Classification Summary - May 2015. Collection method: clinical testing. Allele origin: germline.
Comment: Variant summary: The COL5A1 c.3745-18G>A variant involves the alteration of a non-conserved intronic nucleotide. One in silico tool predicts a benign outcome for this variant. 5/5 splice prediction tools predict no significant impact on normal splicing. However, these predictions have yet to be confirmed by functional studies. This variant was found in 10405/96166 control chromosomes (521 homozygotes) at a frequency of 0.1081983, which is approximately 86559 times the estimated maximal expected allele frequency of a pathogenic COL5A1 variant (0.0000013), suggesting this variant is likely a benign polymorphism. In addition, multiple clinical diagnostic laboratories/reputable databases classified this variant as benign. Taken together, this variant is classified as benign.

GeneDx
Classification: Benign. Last evaluated: 2012-11-13. Review status: criteria provided, single submitter. Criteria: GeneDx Variant Classification (06012015). Collection method: clinical testing. Allele origin: germline. Affected: yes.
Comment: This variant is considered likely benign or benign based on one or more of the following criteria: it is a conservative change, it occurs at a poorly conserved position in the protein, it is predicted to be benign by multiple in silico algorithms, and/or has population frequency not consistent with disease.

Breakthrough Genomics
Classification: Benign. Review status: criteria provided, single submitter. Criteria: ACMG Guidelines, 2015. Collection method: not provided. Allele origin: germline. Inheritance: Autosomal dominant inheritance. Affected: yes.

PreventionGenetics, part of Exact Sciences
Classification: Benign. Review status: criteria provided, single submitter. Criteria: ACMG Guidelines, 2015. Collection method: clinical testing. Allele origin: germline.